The following is an entry in ClinVar:

ClinVar aggregate classification (germline): Uncertain significance. Review status: criteria provided, multiple submitters, no conflicts (2 of 4 stars). 3 submissions from 3 submitters: Uncertain significance (3). Last evaluated 2026-07-01.

Conditions:
3-methylglutaconic aciduria, type VIIB (MGCA7B). Also called: 3-methylglutaconic aciduria, type VII, with cataracts, neurologic involvement and neutropenia; CLPB Deficiency; 3-methylglutaconic aciduria with cataracts, neurologic involvement and neutropenia. Identifiers: Orphanet 445038, MedGen C5676893, MONDO:0014561, OMIM 616271.
Inborn genetic diseases. Identifiers: MedGen C0950123, MeSH D030342.

Allele frequency attached by ClinVar (database versions not stated): gnomAD 0.00001 and 0.00003; gnomAD exomes 0.00013; 1000 Genomes Project 30x 0.00016; ExAC 0.00016; 1000 Genomes Project 0.00020.

Submissions (3):

CeGaT Center for Human Genetics Tuebingen
Classification: Uncertain significance. Last evaluated: 2026-07-01. Review status: criteria provided, single submitter. Criteria: CeGaT Center For Human Genetics Tuebingen Variant Classification Criteria Version 2. Collection method: clinical testing. Allele origin: germline. Affected: yes. Observed: 1 variant allele.

Labcorp Genetics (formerly Invitae), Labcorp
Classification: Uncertain significance for 3-methylglutaconic aciduria, type VIIB. Last evaluated: 2025-09-13. Review status: criteria provided, single submitter. Criteria: Invitae Variant Classification Sherloc (09022015). Collection method: clinical testing. Allele origin: germline.
Comment: This sequence change replaces glutamic acid, which is acidic and polar, with lysine, which is basic and polar, at codon 44 of the CLPB protein (p.Glu44Lys). This variant is present in population databases (rs536485763, gnomAD 0.1%). This variant has not been reported in the literature in individuals affected with CLPB-related conditions. ClinVar contains an entry for this variant (Variation ID: 841085). An algorithm developed to predict the effect of missense changes on protein structure and function (PolyPhen-2) suggests that this variant is likely to be tolerated. In summary, the available evidence is currently insufficient to determine the role of this variant in disease. Therefore, it has been classified as a Variant of Uncertain Significance.

Ambry Genetics
Classification: Uncertain significance for Inborn genetic diseases. Last evaluated: 2024-05-02. Review status: criteria provided, single submitter. Criteria: Ambry Variant Classification Scheme 2023. Collection method: clinical testing. Allele origin: germline.

NM_001258392.3(CLPB):c.130G>A (p.Glu44Lys)

Genes: CLPB (ClpB family mitochondrial disaggregase; minus strand), LOC130006336 (ATAC-STARR-seq lymphoblastoid active region 5191; plus strand). Cytogenetic location: 11q13.4.
Variant type: single nucleotide variant.
Coding change: c.130G>A on transcript NM_001258392.3 (MANE Select); coding-DNA position 130, G replaced by A.
Protein change: p.Glu44Lys; replaces glutamic acid 44 with lysine.
Molecular consequence: missense variant. On other transcripts: 5 prime UTR variant (1).
Genome position (GRCh38, 1-based): chr11:72,434,345, C>T on the plus strand (G>A on the coding strand, the complement: CLPB is on the minus strand). VCF-style: chr11-72434345-C-T. GRCh37 (hg19) VCF-style: chr11-72145389-C-T.
Other names: c.130G>A (NM_030813.3); c.130G>A, p.Glu44Lys (NM_001258393.3, NM_030813.6); c.-113G>A (NM_001258394.3); short protein forms E44K.
Identifiers: ClinVar variation 841085 (VCV000841085.12), dbSNP rs536485763, ClinGen allele CA6171672.